The following is an entry in ClinVar:

ClinVar aggregate classification (germline): Uncertain significance (1 of 4 stars; one submission).

Conditions:
Very long chain acyl-CoA dehydrogenase deficiency (ACADVLD). Also called: VLCAD Deficiency; Very Long-Chain Acyl-Coenzyme A Dehydrogenase Deficiency. Identifiers: Orphanet 26793, MedGen C3887523, MONDO:0008723, OMIM 201475.

Allele frequency attached by ClinVar (database versions not stated): TOPMed below 0.00001; gnomAD exomes 0.00001.
gnomAD v4.1: 14 of 1,614,126 alleles (0.00087%); highest among the groups gnomAD compares: Non-Finnish European, 0.0012%; no homozygotes.

Submission:

Labcorp Genetics (formerly Invitae), Labcorp
Classification: Uncertain significance for Very long chain acyl-CoA dehydrogenase deficiency. Last evaluated: 2022-08-15. Review status: criteria provided, single submitter. Criteria: Invitae Variant Classification Sherloc (09022015). Collection method: clinical testing. Allele origin: germline.
Comment: This sequence change replaces aspartic acid, which is acidic and polar, with asparagine, which is neutral and polar, at codon 479 of the ACADVL protein (p.Asp479Asn). This variant is not present in population databases (gnomAD no frequency). This variant has not been reported in the literature in individuals affected with ACADVL-related conditions. ClinVar contains an entry for this variant (Variation ID: 1427556). Algorithms developed to predict the effect of missense changes on protein structure and function output the following: SIFT: "Tolerated"; PolyPhen-2: "Benign"; Align-GVGD: "Class C0". The asparagine amino acid residue is found in multiple mammalian species, which suggests that this missense change does not adversely affect protein function. Algorithms developed to predict the effect of sequence changes on RNA splicing suggest that this variant may disrupt the consensus splice site. In summary, the available evidence is currently insufficient to determine the role of this variant in disease. Therefore, it has been classified as a Variant of Uncertain Significance.

NM_000018.4(ACADVL):c.1435G>A (p.Asp479Asn)

Gene: ACADVL (acyl-CoA dehydrogenase very long chain; plus strand). Cytogenetic location: 17p13.1.
Variant type: single nucleotide variant.
Coding change: c.1435G>A on transcript NM_000018.4 (MANE Select); coding-DNA position 1435, G replaced by A.
Protein change: p.Asp479Asn; replaces aspartic acid 479 with asparagine.
Molecular consequence: missense variant.
Genome position (GRCh38, 1-based): chr17:7,224,146, G>A. VCF-style: chr17-7224146-G-A. GRCh37 (hg19) VCF-style: chr17-7127465-G-A.
Other names: c.1369G>A, p.Asp457Asn (NM_001033859.3); c.1504G>A, p.Asp502Asn (NM_001270447.2); c.1207G>A, p.Asp403Asn (NM_001270448.2); short protein forms D502N, D403N, D457N, D479N.
Identifiers: ClinVar variation 1427556 (VCV001427556.5), dbSNP rs2071362937, ClinGen allele CA397725118.